The following is an entry in ClinVar:

NM_012275.3(IL36RN):c.458A>G (p.Gln153Arg)

Gene: IL36RN (interleukin 36 receptor antagonist; plus strand). Cytogenetic location: 2q14.1.
Variant type: single nucleotide variant.
Coding change: c.458A>G on transcript NM_012275.3 (MANE Select); coding-DNA position 458, A replaced by G.
Protein change: p.Gln153Arg; replaces glutamine 153 with arginine.
Molecular consequence: missense variant.
Genome position (GRCh38, 1-based): chr2:113,062,667, A>G. VCF-style: chr2-113062667-A-G. GRCh37 (hg19) VCF-style: chr2-113820244-A-G.
Other names: c.458A>G, p.Gln153Arg (NM_173170.1); short protein forms Q153R.
Identifiers: ClinVar variation 1369293 (VCV001369293.6), dbSNP rs771496493, ClinGen allele CA1838472.
Genomic context (GRCh38, chr2:113,062,667, plus strand): 5'-TCACCCAGCTTCCCGAGAATGGTGGCTGGAATGCCCCCATCACAGACTTCTACTTCCAGC[A>G]GTGTGACTAGGGCAACGTGCCCCCCAGAACTCCCTGGGCAGAGCCAGCTCGGGTGAGGGG-3'
Protein context (NP_036407.1, residues 143-155): NAPITDFYFQ[Gln153Arg]CD

ClinVar aggregate classification (germline): Uncertain significance (1 of 4 stars; one submission).

Conditions:
Generalized pustular psoriasis. Identifiers: Orphanet 247353, MedGen C0343055, MONDO:0100491.

Allele frequency attached by ClinVar (database versions not stated): ExAC 0.00001; gnomAD 0.00001; TOPMed 0.00001; gnomAD exomes 0.00002 and 0.00003.
gnomAD v4.1: 45 of 1,610,872 alleles (0.0028%); highest among the groups gnomAD compares: Non-Finnish European, 0.0037%; no homozygotes.

Submission:

Labcorp Genetics (formerly Invitae), Labcorp
Classification: Uncertain significance for Generalized pustular psoriasis. Last evaluated: 2022-06-16. Review status: criteria provided, single submitter. Criteria: Invitae Variant Classification Sherloc (09022015). Collection method: clinical testing. Allele origin: germline.
Comment: In summary, the available evidence is currently insufficient to determine the role of this variant in disease. Therefore, it has been classified as a Variant of Uncertain Significance. Algorithms developed to predict the effect of missense changes on protein structure and function (SIFT, PolyPhen-2, Align-GVGD) all suggest that this variant is likely to be tolerated. This variant has not been reported in the literature in individuals affected with IL36RN-related conditions. This variant is present in population databases (rs771496493, gnomAD 0.004%). This sequence change replaces glutamine, which is neutral and polar, with arginine, which is basic and polar, at codon 153 of the IL36RN protein (p.Gln153Arg).